The following is an entry in ClinVar:

ClinVar aggregate classification (germline): Pathogenic. Review status: criteria provided, multiple submitters, no conflicts (2 of 4 stars). 3 submissions from 3 submitters: Pathogenic (2). 1 of the submissions does not count toward it. Last evaluated 2025-08-25.

Conditions:
Microcephaly. Also called: Microcephaly (disease). Identifiers: MedGen C4551563, MONDO:0001149, HP:0000252.
Baraitser-winter syndrome 2. Identifiers: Orphanet 2995, MedGen C3281235, MONDO:0013812, OMIM 614583.

Submissions (3):

Daryl Scott Lab, Baylor College of Medicine
Classification: Pathogenic for Baraitser-winter syndrome 2. Last evaluated: 2025-08-25. Review status: criteria provided, single submitter. Criteria: ACMG Guidelines, 2015. Collection method: clinical testing. Allele origin: de novo. Affected: yes. Observed: 1 heterozygote.
Comment: PS2, PM2, PP3

Baylor Genetics
Classification: Pathogenic for Baraitser-winter syndrome 2. Last evaluated: 2020-10-21. Review status: criteria provided, single submitter. Criteria: ACMG Guidelines, 2015. Collection method: clinical testing. Allele origin: de novo. Affected: yes.
Comment: This variant was determined to be pathogenic according to ACMG Guidelines, 2015 [PMID:25741868].

Department of Pediatrics, Samsung Medical Center, Samsung Medical Center
Classification: Likely pathogenic for Microcephaly. Review status: no assertion criteria provided. Criteria: ACMG Guidelines, 2015. Collection method: research. Allele origin: de novo. Affected: yes. Not counted in ClinVar's aggregate classification.

NM_001614.5(ACTG1):c.628C>T (p.Arg210Cys)

Gene: ACTG1 (actin gamma 1; minus strand). Cytogenetic location: 17q25.3.
Variant type: single nucleotide variant.
Coding change: c.628C>T on transcript NM_001614.5 (MANE Select); coding-DNA position 628, C replaced by T.
Protein change: p.Arg210Cys; replaces arginine 210 with cysteine.
Molecular consequence: missense variant. On other transcripts: non-coding transcript variant (1).
Genome position (GRCh38, 1-based): chr17:81,511,362, G>A on the plus strand (C>T on the coding strand, the complement: ACTG1 is on the minus strand). VCF-style: chr17-81511362-G-A. GRCh37 (hg19) VCF-style: chr17-79478388-G-A.
Other names: c.628C>T, p.Arg210Cys (NM_001199954.3); short protein forms R210C.
Identifiers: ClinVar variation 813525 (VCV000813525.3), dbSNP rs2031759596, ClinGen allele CA401460372.